The following is an entry in ClinVar:

NM_001953.5(TYMP):c.355G>A (p.Gly119Arg)

Gene: TYMP (thymidine phosphorylase; minus strand). Cytogenetic location: 22q13.33.
Variant type: single nucleotide variant.
Coding change: c.355G>A on transcript NM_001953.5 (MANE Select); coding-DNA position 355, G replaced by A.
Protein change: p.Gly119Arg; replaces glycine 119 with arginine.
Molecular consequence: missense variant.
Genome position (GRCh38, 1-based): chr22:50,529,198, C>T on the plus strand (G>A on the coding strand, the complement: TYMP is on the minus strand). VCF-style: chr22-50529198-C-T. GRCh37 (hg19) VCF-style: chr22-50967627-C-T.
Other names: c.355G>A, p.Gly119Arg (LRG_727t2, LRG_727t1, NM_001113755.3 and 3 more transcripts); short protein forms G119R.
Identifiers: ClinVar variation 191172 (VCV000191172.3), dbSNP rs786205559, ClinGen allele CA236178.

ClinVar aggregate classification (germline): Conflicting classifications of pathogenicity. Review status: criteria provided, conflicting classifications (1 of 4 stars). 2 submissions from 2 submitters: Likely pathogenic (1); Uncertain significance (1). Last evaluated 2024-03-18.

Allele frequency attached by ClinVar (database versions not stated): gnomAD exomes below 0.00001.
gnomAD v4.1: 1 of 1,613,338 alleles (0.000062%); highest among the groups gnomAD compares: Non-Finnish European, 0.000085%; no homozygotes.

Submissions (2):

Women's Health and Genetics/Laboratory Corporation of America, LabCorp
Classification: Uncertain significance. Last evaluated: 2024-03-18. Review status: criteria provided, single submitter. Criteria: LabCorp Variant Classification Summary - May 2015. Collection method: clinical testing. Allele origin: germline.
Comment: Variant summary: TYMP c.355G>A (p.Gly119Arg) results in a non-conservative amino acid change located in the Glycosyl transferase, family 3 domain (IPR000312) of the encoded protein sequence. Five of five in-silico tools predict a damaging effect of the variant on protein function. The variant was absent in 250694 control chromosomes (gnomAD). The available data on variant occurrences in the general population are insufficient to allow any conclusion about variant significance. To our knowledge, no occurrence of c.355G>A in individuals affected with Mitochondrial DNA Depletion Syndrome 1 (MNGIE type) and no experimental evidence demonstrating its impact on protein function have been reported. ClinVar contains an entry for this variant (Variation ID: 191172). Based on the evidence outlined above, the variant was classified as uncertain significance.

Genomic Medicine Center of Excellence, King Faisal Specialist Hospital and Research Centre
Classification: Likely pathogenic. Review status: criteria provided, single submitter. Criteria: ACMG Guidelines, 2015. Collection method: research. Allele origin: germline. Affected: yes.